The following is an entry in ClinVar:

ClinVar aggregate classification (germline): Uncertain significance. Review status: criteria provided, multiple submitters, no conflicts (2 of 4 stars). 2 submissions from 2 submitters: Uncertain significance (2). Last evaluated 2022-09-01.

Conditions:
Donnai-Barrow syndrome. Also called: DBS/FOAR SYNDROME; FACIOOCULOACOUSTICORENAL SYNDROME. Identifiers: Orphanet 2143, MedGen C1857277, MONDO:0009104, OMIM 222448.

gnomAD v4.1: 40 of 1,613,958 alleles (0.0025%); highest among the groups gnomAD compares: Non-Finnish European, 0.0034%; no homozygotes.

Submissions (2):

Labcorp Genetics (formerly Invitae), Labcorp
Classification: Uncertain significance. Last evaluated: 2022-09-01. Review status: criteria provided, single submitter. Criteria: Invitae Variant Classification Sherloc (09022015). Collection method: clinical testing. Allele origin: germline.
Comment: This sequence change replaces glutamic acid, which is acidic and polar, with aspartic acid, which is acidic and polar, at codon 4604 of the LRP2 protein (p.Glu4604Asp). This variant is not present in population databases (gnomAD no frequency). This variant has not been reported in the literature in individuals affected with LRP2-related conditions. ClinVar contains an entry for this variant (Variation ID: 1492994). Advanced modeling of protein sequence and biophysical properties (such as structural, functional, and spatial information, amino acid conservation, physicochemical variation, residue mobility, and thermodynamic stability) performed at Invitae indicates that this missense variant is not expected to disrupt LRP2 protein function. In summary, the available evidence is currently insufficient to determine the role of this variant in disease. Therefore, it has been classified as a Variant of Uncertain Significance.

Fulgent Genetics
Classification: Uncertain significance for Donnai-Barrow syndrome. Last evaluated: 2021-10-12. Review status: criteria provided, single submitter. Criteria: ACMG Guidelines, 2015. Collection method: clinical testing. Allele origin: unknown.

NM_004525.3(LRP2):c.13812G>C (p.Glu4604Asp)

Gene: LRP2 (LDL receptor related protein 2; minus strand). Cytogenetic location: 2q31.1.
Variant type: single nucleotide variant.
Coding change: c.13812G>C on transcript NM_004525.3 (MANE Select); coding-DNA position 13812, G replaced by C.
Protein change: p.Glu4604Asp; replaces glutamic acid 4604 with aspartic acid.
Molecular consequence: missense variant.
Genome position (GRCh38, 1-based): chr2:169,128,819, C>G on the plus strand (G>C on the coding strand, the complement: LRP2 is on the minus strand). VCF-style: chr2-169128819-C-G. GRCh37 (hg19) VCF-style: chr2-169985329-C-G.
Other names: short protein forms E4604D.
Identifiers: ClinVar variation 1492994 (VCV001492994.6), dbSNP rs932886306, ClinGen allele CA59911150.
Genomic context (GRCh38, chr2:169,128,819, plus strand): 5'-CTTAGGCTTAGCAGGGAGCGAAGGTGATGGAGGTGGTGTCGCAGCAACACTTTCCTTTTG[C>G]TCGTTCTCCATCTAAGAATACAATGTAACAGGAATCAGCCATTTATTCCCCCAAGGTCAC-3'
Protein context (NP_004516.2, residues 4594-4614): ENPIYAQMEN[Glu4604Asp]QKESVAATPP